The following is an entry in ClinVar:

ClinVar aggregate classification (germline): Conflicting classifications of pathogenicity. Review status: criteria provided, conflicting classifications (1 of 4 stars). 5 submissions from 5 submitters: Uncertain significance (3); Likely benign (2). Last evaluated 2026-07-22.

Conditions:
Retinal disorder. Also called: Retinopathy; Retinopathies; Retinal Diseases; Retinal disorders. Identifiers: MedGen C0035309, MONDO:0005283, HP:0000488.

Submissions (5):

Genetics Laboratory, Great Ormond Street Hospital NHS Foundation Trust, North Thames Genomic Laboratory Hub
Classification: Uncertain significance for Retinal disorders. Last evaluated: 2026-07-22. Review status: criteria provided, single submitter. Criteria: ACGS Best Practice Guidelines for Variant Classification in Rare Disease 2024 v1.2. Collection method: clinical testing. Allele origin: germline. Affected: yes.
Comment: PM2_moderate, PM4_moderate

Labcorp Genetics (formerly Invitae), Labcorp
Classification: Likely benign. Last evaluated: 2026-01-28. Review status: criteria provided, single submitter. Criteria: Invitae Variant Classification Sherloc (09022015). Collection method: clinical testing. Allele origin: germline.

GeneDx
Classification: Likely benign. Last evaluated: 2022-01-07. Review status: criteria provided, single submitter. Criteria: GeneDx Variant Classification Process June 2021. Collection method: clinical testing. Allele origin: germline. Affected: yes.

Laboratory for Molecular Medicine, Mass General Brigham Personalized Medicine
Classification: Uncertain significance. Last evaluated: 2020-02-21. Review status: criteria provided, single submitter. Criteria: LMM Criteria. Collection method: clinical testing. Allele origin: germline. Observed: 1 variant allele.
Comment: Variant classified as Uncertain Significance - Favor Benign. The p.Leu1790_Pro1791del variant in PCDH15 has not been previously reporte din individuals with hearing loss or Usher syndrome, but has been identified in 0.1% (17/15544) of East Asian chromosomes by gnomAD. This variant is a deletion of 2 amino acids at positions 1790-1791 and is not predicted to alter the protein reading-frame. It is unclear if this deletion will impact the protein. In summary, while the clinical significance of this variant is uncertain, its frequency in the general population suggests that it is more likely to be benign. ACMG/AMP Criteria applied: BS1_Supporting, PM4_Supporting.

ARUP Laboratories, Molecular Genetics and Genomics, ARUP Laboratories
Classification: Uncertain significance. Last evaluated: 2016-10-17. Review status: criteria provided, single submitter. Criteria: ARUP Molecular Germline Variant Investigation Process. Collection method: clinical testing. Allele origin: germline.

NM_033056.4(PCDH15):c.5363TTCCTC[1] (p.1788LP[1])

Gene: PCDH15 (protocadherin related 15; minus strand). Cytogenetic location: 10q21.1.
Variant type: Microsatellite.
Coding change: c.5363TTCCTC[1] on transcript NM_033056.4 (MANE Plus Clinical); one copy of the 6-base unit TTCCTC starting at c.5363; the reference has two copies in a row; one copy, 6 bases deleted.
Protein change: p.1788LP[1].
Molecular consequence: inframe deletion. On other transcripts: intron variant (8).
Genome position (GRCh38, 1-based): chr10:53,822,352-53,822,357, GAGGAA deleted on the plus strand (TTCCTC on the coding strand, the reverse complement: PCDH15 is on the minus strand); deleting any 6 consecutive bases within chr10:53,822,352-53,822,367 gives the same sequence; the position shown is the placement nearest the transcript's 3' end. VCF-style (leftmost placement, unchanged base first): chr10-53822351-GGAGGAA-G. GRCh37 (hg19) VCF-style: chr10-55582111-GGAGGAA-G.
Other names: c.5384TTCCTC[1], p.1795LP[1] (NM_001142763.2); c.5369TTCCTC[1], p.1790LP[1] (NM_001142764.2); c.5156TTCCTC[1], p.1719LP[1] (NM_001142765.2); c.5354TTCCTC[1], p.1785LP[1] (NM_001142766.2); c.5369_5374delTTCCTC (NM_033056.3); c.5243TTCCTC[1], p.1748LP[1] (NM_001142767.2); c.5303TTCCTC[1], p.1768LP[1] (NM_001142768.2); c.5294TTCCTC[1], p.1765LP[1] (NM_001142773.2); and 8 more.
Identifiers: ClinVar variation 440024 (VCV000440024.26), dbSNP rs779691085, ClinGen allele CA5505055.